The following is an entry in ClinVar:

NM_006231.4(POLE):c.1104C>T (p.Asp368=)

Gene: POLE (DNA polymerase epsilon, catalytic subunit; minus strand). Cytogenetic location: 12q24.33.
Variant type: single nucleotide variant.
Coding change: c.1104C>T on transcript NM_006231.4 (MANE Select); coding-DNA position 1104, C replaced by T.
Protein change: p.Asp368=; no amino-acid change (aspartic acid 368 retained).
Molecular consequence: synonymous variant.
Genome position (GRCh38, 1-based): chr12:132,675,737, G>A on the plus strand (C>T on the coding strand, the complement: POLE is on the minus strand). VCF-style: chr12-132675737-G-A. GRCh37 (hg19) VCF-style: chr12-133252323-G-A.
Other names: c.1104C>T (NM_006231.2).
Identifiers: ClinVar variation 2991954 (VCV002991954.6), dbSNP rs2136010953, ClinGen allele CA482849699.

ClinVar aggregate classification (germline): Benign/Likely benign. Review status: criteria provided, multiple submitters, no conflicts (2 of 4 stars). 3 submissions from 3 submitters: Benign (1); Likely benign (2). Last evaluated 2025-11-09.

Conditions:
Hereditary cancer-predisposing syndrome. Also called: Hereditary Cancer Syndrome; Hereditary neoplastic syndrome; Neoplastic Syndromes, Hereditary; Tumor predisposition. Identifiers: Orphanet 140162, MedGen C0027672, MeSH D009386, MONDO:0015356.
Colorectal cancer, susceptibility to, 12 (CRCS12). Also called: COLORECTAL CANCER, SUSCEPTIBILITY TO, ON CHROMOSOME 12q24. Identifiers: Orphanet 220460, MedGen C3554460, MONDO:0014038, OMIM 615083.

Submissions (4):

Labcorp Genetics (formerly Invitae), Labcorp
Classification: Likely benign. Last evaluated: 2025-11-09. Review status: criteria provided, single submitter. Criteria: Invitae Variant Classification Sherloc (09022015). Collection method: clinical testing. Allele origin: germline.

Ambry Genetics
Classification: Likely benign for Hereditary cancer-predisposing syndrome. Last evaluated: 2025-07-10. Review status: criteria provided, single submitter. Criteria: Ambry Variant Classification Scheme 2023. Collection method: clinical testing. Allele origin: germline.

Myriad Genetics, Inc.
Classification: Benign for Colorectal cancer, susceptibility to, 12. Last evaluated: 2025-02-10. Review status: criteria provided, single submitter. Criteria: Myriad Autosomal Dominant, Autosomal Recessive and X-Linked Classification Criteria (2023). Collection method: clinical testing. Allele origin: unknown.
Comment: This variant is considered benign. This variant is a silent/synonymous amino acid change and it is not expected to impact splicing.

Dr. Peter K. Rogan Lab, Western University
No classification provided (evidence only). Condition: Familial cancer of breast. Review status: no classification provided. Collection method: in vitro. Allele origin: not applicable. Functional consequence: retained intron. Not counted in ClinVar's aggregate classification.